The following is an entry in ClinVar:

NM_012469.4(PRPF6):c.238G>A (p.Glu80Lys)

Gene: PRPF6 (pre-mRNA processing factor 6; plus strand). Cytogenetic location: 20q13.33.
Variant type: single nucleotide variant.
Coding change: c.238G>A on transcript NM_012469.4 (MANE Select); coding-DNA position 238, G replaced by A.
Protein change: p.Glu80Lys; replaces glutamic acid 80 with lysine.
Molecular consequence: missense variant.
Genome position (GRCh38, 1-based): chr20:63,983,213, G>A. VCF-style: chr20-63983213-G-A. GRCh37 (hg19) VCF-style: chr20-62614566-G-A.
Other names: short protein forms E80K.
Identifiers: ClinVar variation 1722097 (VCV001722097.5), dbSNP rs2517605440, ClinGen allele CA409797732.
Genomic context (GRCh38, chr20:63,983,213, plus strand): 5'-ATGAAGAAAAATCAGGCTGCTGACGATGACGACGAGGATCTAAATGACACCAATTACGAT[G>A]AGGTGAGATGTGTCCGGCTTTCGTGGCTCCTCCAGCCAGTCTCTGGGAGCAGCTGACCTA-3'
Protein context (NP_036601.2, residues 70-90): DEDLNDTNYD[Glu80Lys]FNGYAGSLFS

ClinVar aggregate classification (germline): Uncertain significance (1 of 4 stars; one submission).

Submission:

Labcorp Genetics (formerly Invitae), Labcorp
Classification: Uncertain significance. Last evaluated: 2025-03-17. Review status: criteria provided, single submitter. Criteria: Invitae Variant Classification Sherloc (09022015). Collection method: clinical testing. Allele origin: germline.
Comment: This sequence change replaces glutamic acid, which is acidic and polar, with lysine, which is basic and polar, at codon 80 of the PRPF6 protein (p.Glu80Lys). This variant is not present in population databases (gnomAD no frequency). This missense change has been observed in individual(s) with retinitis pigmentosa (internal data). ClinVar contains an entry for this variant (Variation ID: 1722097). An algorithm developed to predict the effect of missense changes on protein structure and function (PolyPhen-2) suggests that this variant is likely to be disruptive. In summary, the available evidence is currently insufficient to determine the role of this variant in disease. Therefore, it has been classified as a Variant of Uncertain Significance.